The following is an entry in ClinVar:

NM_013254.4(TBK1):c.217A>G (p.Ile73Val)

Gene: TBK1 (TANK binding kinase 1; plus strand). Cytogenetic location: 12q14.2.
Variant type: single nucleotide variant.
Coding change: c.217A>G on transcript NM_013254.4 (MANE Select); coding-DNA position 217, A replaced by G.
Protein change: p.Ile73Val; replaces isoleucine 73 with valine.
Molecular consequence: missense variant.
Genome position (GRCh38, 1-based): chr12:64,460,318, A>G. VCF-style: chr12-64460318-A-G. GRCh37 (hg19) VCF-style: chr12-64854098-A-G.
Other names: c.217A>G (NM_013254.3); short protein forms I73V.
Identifiers: ClinVar variation 2055622 (VCV002055622.30), dbSNP rs751253214, ClinGen allele CA6668734.

ClinVar aggregate classification (germline): Uncertain significance. Review status: criteria provided, multiple submitters, no conflicts (2 of 4 stars). 4 submissions from 4 submitters: Uncertain significance (3). 1 of the submissions does not count toward it. Last evaluated 2026-01-26.

Conditions:
TBK1-related disorder. Also called: TBK1-related condition.
Frontotemporal dementia and/or amyotrophic lateral sclerosis 4. Also called: FTDALS4. Identifiers: Orphanet 275872, MedGen C4225325, MONDO:0014641, OMIM 616439.

Allele frequency attached by ClinVar (database versions not stated): ExAC 0.00004; gnomAD 0.00005; TOPMed 0.00006; gnomAD exomes 0.00009.
gnomAD v4.1: 137 of 1,563,196 alleles (0.0088%); highest among the groups gnomAD compares: Non-Finnish European, 0.011%; no homozygotes.

Submissions (4):

Labcorp Genetics (formerly Invitae), Labcorp
Classification: Uncertain significance for Frontotemporal dementia and/or amyotrophic lateral sclerosis 4. Last evaluated: 2026-01-26. Review status: criteria provided, single submitter. Criteria: Invitae Variant Classification Sherloc (09022015). Collection method: clinical testing. Allele origin: germline.
Comment: This sequence change replaces isoleucine, which is neutral and non-polar, with valine, which is neutral and non-polar, at codon 73 of the TBK1 protein (p.Ile73Val). This variant is present in population databases (rs751253214, gnomAD 0.008%). This missense change has been observed in individual(s) with TBK1-related conditions (PMID: 28008748, 37952009). ClinVar contains an entry for this variant (Variation ID: 2055622). Invitae Evidence Modeling of protein sequence and biophysical properties (such as structural, functional, and spatial information, amino acid conservation, physicochemical variation, residue mobility, and thermodynamic stability) indicates that this missense variant is not expected to disrupt TBK1 protein function with a negative predictive value of 95%. Experimental studies are conflicting or provide insufficient evidence to determine the effect of this variant on TBK1 function (PMID: 28008748). In summary, the available evidence is currently insufficient to determine the role of this variant in disease. Therefore, it has been classified as a Variant of Uncertain Significance.

PreventionGenetics, part of Exact Sciences
Classification: Uncertain significance for TBK1-related condition. Last evaluated: 2025-05-20. Review status: criteria provided, single submitter. Criteria: ACMG Guidelines, 2015. Collection method: clinical testing. Allele origin: germline.
Comment: The TBK1 c.217A>G variant is predicted to result in the amino acid substitution p.Ile73Val. This variant has been reported in two individuals with frontotemporal dementia (FTD) but was also identified in a control subject in the same study (van der Zee et al. 2017. PubMed ID: 28008748). It has also been reported in a cohort of individuals with "definite" or "probable" amyotrophic lateral sclerosis (ALS), although limited patient information was provided (Table S1, Hu et al. 2024. PubMed ID: 37952009). This variant is reported in 0.0082% of alleles in individuals of European (non-Finnish) descent in gnomAD. At this time, the clinical significance of this variant is uncertain due to the absence of conclusive functional and genetic evidence.

CeGaT Center for Human Genetics Tuebingen
Classification: Uncertain significance. Last evaluated: 2024-02-01. Review status: criteria provided, single submitter. Criteria: CeGaT Center For Human Genetics Tuebingen Variant Classification Criteria Version 2. Collection method: clinical testing. Allele origin: germline. Affected: yes. Observed: 2 variant alleles.
Comment: TBK1: PM2:Supporting, BP4

Zotz-Klimas Genetics Lab, MVZ Zotz Klimas
Classification: Uncertain significance for Frontotemporal dementia and/or amyotrophic lateral sclerosis 4. Last evaluated: 2023-11-02. Review status: no assertion criteria provided. Collection method: clinical testing. Allele origin: germline. Affected: yes. Not counted in ClinVar's aggregate classification.

Literature cited by the submitters: PubMed 28008748 (cited by Labcorp Genetics (formerly Invitae), Labcorp); PubMed 37952009 (cited by Labcorp Genetics (formerly Invitae), Labcorp).